The following is an entry in ClinVar:

ClinVar aggregate classification (germline): Uncertain significance (1 of 4 stars; one submission).

Conditions:
Hereditary cancer-predisposing syndrome. Also called: Hereditary neoplastic syndrome; Hereditary Cancer Syndrome; Neoplastic Syndromes, Hereditary; Tumor predisposition. Identifiers: Orphanet 140162, MedGen C0027672, MeSH D009386, MONDO:0015356.

Submission:

Ambry Genetics
Classification: Uncertain significance for Hereditary cancer-predisposing syndrome. Last evaluated: 2023-04-22. Review status: criteria provided, single submitter. Criteria: Ambry Variant Classification Scheme 2023. Collection method: clinical testing. Allele origin: germline.
Comment: The p.M752R variant (also known as c.2255T>G), located in coding exon 13 of the ALK gene, results from a T to G substitution at nucleotide position 2255. The methionine at codon 752 is replaced by arginine, an amino acid with similar properties. This amino acid position is conserved. In addition, this alteration is predicted to be tolerated by in silico analysis. Since supporting evidence is limited at this time, the clinical significance of this alteration remains unclear.

NM_004304.5(ALK):c.2255T>G (p.Met752Arg)

Gene: ALK (ALK receptor tyrosine kinase; minus strand). Cytogenetic location: 2p23.2.
Variant type: single nucleotide variant.
Coding change: c.2255T>G on transcript NM_004304.5 (MANE Select); coding-DNA position 2255, T replaced by G.
Protein change: p.Met752Arg; replaces methionine 752 with arginine.
Molecular consequence: missense variant.
Genome position (GRCh38, 1-based): chr2:29,239,780, A>C on the plus strand (T>G on the coding strand, the complement: ALK is on the minus strand). VCF-style: chr2-29239780-A-C. GRCh37 (hg19) VCF-style: chr2-29462646-A-C.
Other names: short protein forms M752R.
Identifiers: ClinVar variation 2566584 (VCV002566584.2), dbSNP rs1664476019, ClinGen allele CA346474619.